The following is an entry in ClinVar:

ClinVar aggregate classification (germline): Uncertain significance (1 of 4 stars; one submission).

Conditions:
Cardiovascular phenotype. Identifiers: MedGen CN230736.

gnomAD v4.1: 5 of 1,613,102 alleles (0.00031%); highest among the groups gnomAD compares: African/African-American, 0.004%; no homozygotes.

Submission:

Ambry Genetics
Classification: Uncertain significance for Cardiovascular phenotype. Last evaluated: 2026-04-30. Review status: criteria provided, single submitter. Criteria: Ambry Variant Classification Scheme 2023. Collection method: clinical testing. Allele origin: germline.
Comment: The p.K2670Q variant (also known as c.8008A>C), located in coding exon 22 of the TNXB gene, results from an A to C substitution at nucleotide position 8008. The lysine at codon 2670 is replaced by glutamine, an amino acid with similar properties. This amino acid position is conserved. In addition, this alteration is predicted to be tolerated by in silico analysis. Based on the available evidence, the clinical significance of this variant remains unclear.

NM_001365276.2(TNXB):c.8008A>C (p.Lys2670Gln)

Gene: TNXB (tenascin XB; minus strand). Cytogenetic location: 6p21.33.
Variant type: single nucleotide variant.
Coding change: c.8008A>C on transcript NM_001365276.2 (MANE Select); coding-DNA position 8008, A replaced by C.
Protein change: p.Lys2670Gln; replaces lysine 2670 with glutamine.
Molecular consequence: missense variant.
Genome position (GRCh38, 1-based): chr6:32,056,721, T>G on the plus strand (A>C on the coding strand, the complement: TNXB is on the minus strand). VCF-style: chr6-32056721-T-G. GRCh37 (hg19) VCF-style: chr6-32024498-T-G.
Other names: c.8008A>C, p.Lys2670Gln (NM_019105.8); c.8749A>C, p.Lys2917Gln (NM_001428335.1); short protein forms K2670Q, K2917Q.
Identifiers: ClinVar variation 4865824 (VCV004865824.1).
Genomic context (GRCh38, chr6:32,056,721, plus strand): 5'-GGTCTGGCTCCAGGCCTGAGATGGTGACCCCGTCCTCGTGCCCCGGCACCCGCACCGCCT[T>G]GGGCTGCCCATCCCCATTCCTGTACTGGACCAGGAAGTGGTCAAACTGGCCCTCGGGAAC-3'
Protein context (NP_001352205.1, residues 2660-2680): VQYRNGDGQP[Lys2670Gln]AVRVPGHEDG